The following is an entry in ClinVar:

ClinVar aggregate classification (germline): Likely benign. Review status: criteria provided, multiple submitters, no conflicts (2 of 4 stars). 2 submissions from 2 submitters: Likely benign (2). Last evaluated 2026-03-05.

Conditions:
Polycystic kidney disease, adult type (PKD1). Also called: Polycystic Kidney Disease 1, Autosomal Dominant; Polycystic kidney disease 1; Polycystic kidney disease 1, severe; POLYCYSTIC KIDNEY DISEASE 1 WITH OR WITHOUT POLYCYSTIC LIVER DISEASE; Polycystic Kidney, Autosomal Dominant; POLYCYSTIC KIDNEY DISEASE, ADULT, TYPE I. Identifiers: MedGen C3149841, MONDO:0008263, OMIM 173900.
PKD1-related disorder. Also called: PKD1-related condition.

gnomAD v4.1: 9 of 1,611,004 alleles (0.00056%); highest among the groups gnomAD compares: Admixed American, 0.0017%; no homozygotes.

Submissions (2):

PreventionGenetics, part of Exact Sciences
Classification: Likely benign for PKD1-related condition. Last evaluated: 2026-03-05. Review status: criteria provided, single submitter. Criteria: ACMG Guidelines, 2015. Collection method: clinical testing. Allele origin: germline.
Comment: This variant is classified as likely benign based on ACMG/AMP sequence variant interpretation guidelines (Richards et al. 2015 PMID: 25741868, with internal and published modifications).

Department of Pathology and Laboratory Medicine, Sinai Health System
Classification: Likely benign for Polycystic kidney disease, adult type. Last evaluated: 2022-03-14. Review status: criteria provided, single submitter. Criteria: ACMG Guidelines, 2015. Collection method: clinical testing. Allele origin: germline. Affected: yes.

NM_001009944.3(PKD1):c.4029G>A (p.Pro1343=)

Gene: PKD1 (polycystin 1, transient receptor potential channel interacting; minus strand). Cytogenetic location: 16p13.3.
Variant type: single nucleotide variant.
Coding change: c.4029G>A on transcript NM_001009944.3 (MANE Select); coding-DNA position 4029, G replaced by A.
Protein change: p.Pro1343=; no amino-acid change (proline 1343 retained).
Molecular consequence: synonymous variant.
Genome position (GRCh38, 1-based): chr16:2,111,138, C>T on the plus strand (G>A on the coding strand, the complement: PKD1 is on the minus strand). VCF-style: chr16-2111138-C-T. GRCh37 (hg19) VCF-style: chr16-2161139-C-T.
Other names: c.4029G>A, p.Pro1343= (NM_000296.4).
Identifiers: ClinVar variation 3780254 (VCV003780254.2).